The following is an entry in ClinVar:

NM_001101.5(ACTB):c.645G>A (p.Lys215=)

Gene: ACTB (actin beta; minus strand). Cytogenetic location: 7p22.1.
Variant type: single nucleotide variant.
Coding change: c.645G>A on transcript NM_001101.5 (MANE Select); coding-DNA position 645, G replaced by A.
Protein change: p.Lys215=; no amino-acid change (lysine 215 retained).
Molecular consequence: synonymous variant.
Genome position (GRCh38, 1-based): chr7:5,528,438, C>T on the plus strand (G>A on the coding strand, the complement: ACTB is on the minus strand). VCF-style: chr7-5528438-C-T. GRCh37 (hg19) VCF-style: chr7-5568069-C-T.
Other names: c.645G>A (LRG_132t1).
Identifiers: ClinVar variation 511115 (VCV000511115.11), dbSNP rs145017784, ClinGen allele CA4146977.

ClinVar aggregate classification (germline): Likely benign. Review status: criteria provided, multiple submitters, no conflicts (2 of 4 stars). 3 submissions from 3 submitters: Likely benign (3). Last evaluated 2025-12-19.

Conditions:
Baraitser-Winter syndrome 1 (BRWS1). Also called: PACHYGYRIA, MENTAL RETARDATION, EPILEPSY, AND CHARACTERISTIC FACIES; MENTAL RETARDATION WITH EPILEPSY AND CHARACTERISTIC FACIES; Cerebrofrontofacial syndrome; BARAITSER-WINTER SYNDROME 1, ATYPICAL. Identifiers: Orphanet 2649, Orphanet 2995, MedGen C1855722, MONDO:0009470, OMIM 243310.
Developmental malformations-deafness-dystonia syndrome (DDS1). Identifiers: Orphanet 79107, MedGen C5848323, MONDO:0011823, OMIM 607371.

Allele frequency attached by ClinVar (database versions not stated): gnomAD exomes 0.00003 and 0.00008; ExAC 0.00011; 1000 Genomes Project 30x 0.00016; 1000 Genomes Project 0.00020; TOPMed 0.00023; gnomAD 0.00024 and 0.00026; ESP Exome Variant Server 0.00038.

Submissions (3):

Labcorp Genetics (formerly Invitae), Labcorp
Classification: Likely benign for Baraitser-Winter syndrome 1. Last evaluated: 2025-12-19. Review status: criteria provided, single submitter. Criteria: Invitae Variant Classification Sherloc (09022015). Collection method: clinical testing. Allele origin: germline.

Fulgent Genetics
Classification: Likely benign for Baraitser-Winter syndrome 1; Developmental malformations-deafness-dystonia syndrome. Last evaluated: 2021-08-31. Review status: criteria provided, single submitter. Criteria: ACMG Guidelines, 2015. Collection method: clinical testing. Allele origin: unknown.

GeneDx
Classification: Likely benign. Last evaluated: 2017-07-31. Review status: criteria provided, single submitter. Criteria: GeneDx Variant Classification (06012015). Collection method: clinical testing. Allele origin: germline. Affected: yes.
Comment: This variant is considered likely benign or benign based on one or more of the following criteria: it is a conservative change, it occurs at a poorly conserved position in the protein, it is predicted to be benign by multiple in silico algorithms, and/or has population frequency not consistent with disease.